The following is an entry in ClinVar:

NM_000088.4(COL1A1):c.195_200dup (p.Gly66_Lys67insAsnGly)

Gene: COL1A1 (collagen type I alpha 1 chain; minus strand). Cytogenetic location: 17q21.33.
Variant type: Duplication.
Coding change: c.195_200dup on transcript NM_000088.4 (MANE Select); coding-DNA positions 195 to 200, 6 bases duplicated (CGGCAA; older notation c.195_200dupCGGCAA).
Protein change: p.Gly66_Lys67insAsnGly.
Molecular consequence: inframe insertion.
Genome position (GRCh38, 1-based): chr17:50,199,851-50,199,856, TTGCCG duplicated on the plus strand (CGGCAA on the coding strand, the reverse complement: COL1A1 is on the minus strand); duplicating any 6 consecutive bases within chr17:50,199,851-50,199,859 gives the same sequence; the c. name uses the placement nearest the transcript's 3' end. VCF-style (leftmost placement, unchanged base first): chr17-50199850-C-CTTGCCG. GRCh37 (hg19) VCF-style: chr17-48277211-C-CTTGCCG.
Identifiers: ClinVar variation 4741006 (VCV004741006.1).
Genomic context (GRCh38, chr17:50,199,850, plus strand): 5'-GGGGACTTCGGCGCCGGGGCAGTTCTTGGTCTCGTCACAGATCACGTCATCGCACAACAC[C>CTTGCCG]TTGCCGTTGTCGCAGACGCAGATCCGGCAGGGCTCGGGTTTCCACACGTCTCGGTCATGG-3'

ClinVar aggregate classification (germline): Uncertain significance (1 of 4 stars; one submission).

Conditions:
Osteogenesis imperfecta type I (OI1). Also called: Lobstein's Disease; Lobstein disease; Classic Non-deforming Osteogenesis Imperfecta with Blue Sclerae; OI, TYPE I; OSTEOGENESIS IMPERFECTA TARDA; OSTEOGENESIS IMPERFECTA WITH BLUE SCLERAE. Identifiers: Orphanet 216796, Orphanet 666, MedGen C0023931, MONDO:0008146, OMIM 166200. Disease mechanism: loss of function.

Submission:

Labcorp Genetics (formerly Invitae), Labcorp
Classification: Uncertain significance for Osteogenesis imperfecta type I. Last evaluated: 2025-04-14. Review status: criteria provided, single submitter. Criteria: Invitae Variant Classification Sherloc (09022015). Collection method: clinical testing. Allele origin: germline.
Comment: This variant, c.195_200dup, results in the insertion of 2 amino acid(s) of the COL1A1 protein (p.Asn65_Gly66dup), but otherwise preserves the integrity of the reading frame. This variant is not present in population databases (gnomAD no frequency). This variant has not been reported in the literature in individuals affected with COL1A1-related conditions. Experimental studies and prediction algorithms are not available or were not evaluated, and the functional significance of this variant is currently unknown. In summary, the available evidence is currently insufficient to determine the role of this variant in disease. Therefore, it has been classified as a Variant of Uncertain Significance.